The following is an entry in ClinVar:

ClinVar aggregate classification (germline): Likely pathogenic (1 of 4 stars; one submission).

Conditions:
Tuberous sclerosis 2 (TSC2). Identifiers: Orphanet 805, MedGen C1860707, MONDO:0013199, OMIM 613254.

Submission:

Labcorp Genetics (formerly Invitae), Labcorp
Classification: Likely pathogenic for Tuberous sclerosis 2. Last evaluated: 2019-12-11. Review status: criteria provided, single submitter. Criteria: Invitae Variant Classification Sherloc (09022015). Collection method: clinical testing. Allele origin: germline.
Comment: This variant results in the deletion of part of exon 34 (4006-15_4048del) of the TSC2 gene. It is expected to disrupt RNA splicing and likely results in an absent or disrupted protein product. This variant is not present in population databases (ExAC no frequency). This variant has not been reported in the literature in individuals with TSC2-related conditions. Loss-of-function variants in TSC2 are known to be pathogenic (PMID: 10205261, 17304050). In summary, the currently available evidence indicates that the variant is pathogenic, but additional data are needed to prove that conclusively. Therefore, this variant has been classified as Likely Pathogenic.

Literature cited by the submitters: PubMed 10205261; PubMed 17304050.

NM_000548.5(TSC2):c.4006-15_4048del

Gene: TSC2 (TSC complex subunit 2; plus strand). Cytogenetic location: 16p13.3.
Variant type: Deletion.
Coding change: c.4006-15_4048del on transcript NM_000548.5 (MANE Select); 15 bases into the intron before coding-DNA position 4006 through coding-DNA position 4048, 58 bases deleted.
Molecular consequence: splice acceptor variant.
Genome position (GRCh38, 1-based): chr16:2,084,213-2,084,270, 58 bases deleted. GRCh37 (hg19): chr16:2,134,214-2,134,271.
Other names: c.3937-15_3979del (NM_001114382.3); c.3877-15_3919del (NM_021055.3, NM_001370405.1); c.3808-15_3850del (NM_001363528.2); c.3874-15_3916del (NM_001370404.1); c.3805-15_3847del (NM_001077183.3); c.3697-15_3739del (NM_001318827.2); c.3274-15_3316del (NM_001318831.2); c.3661-15_3703del (NM_001318829.2); and 1 more.
Identifiers: ClinVar variation 846122 (VCV000846122.7), dbSNP rs2090477253, ClinGen allele CA916081762.